The following is an entry in ClinVar:

NM_206933.4(USH2A):c.12987T>A (p.Tyr4329Ter)

Gene: USH2A (usherin; minus strand). Cytogenetic location: 1q41.
Variant type: single nucleotide variant.
Coding change: c.12987T>A on transcript NM_206933.4 (MANE Select); coding-DNA position 12987, T replaced by A.
Protein change: p.Tyr4329Ter; replaces tyrosine 4329 with a stop codon.
Molecular consequence: nonsense.
Genome position (GRCh38, 1-based): chr1:215,674,924, A>T on the plus strand (T>A on the coding strand, the complement: USH2A is on the minus strand). VCF-style: chr1-215674924-A-T. GRCh37 (hg19) VCF-style: chr1-215848266-A-T.
Other names: short protein forms Y4329*.
Identifiers: ClinVar variation 2679457 (VCV002679457.2), dbSNP rs1203365063, ClinGen allele CA344847941.

ClinVar aggregate classification (germline): Pathogenic/Likely pathogenic. Review status: criteria provided, multiple submitters, no conflicts (2 of 4 stars). 2 submissions from 2 submitters: Pathogenic (1); Likely pathogenic (1). Last evaluated 2024-07-09.

Conditions:
Retinitis pigmentosa 39 (RP39). Identifiers: Orphanet 791, MedGen C3151138, MONDO:0013436, OMIM 613809.
USH2A-related disorder. Also called: USH2A-related disorders; USH2A-related condition. Identifiers: MedGen CN239332.

Submissions (2):

Myriad Genetics, Inc.
Classification: Pathogenic for USH2A-related disorder. Last evaluated: 2024-07-09. Review status: criteria provided, single submitter. Criteria: Myriad Autosomal Dominant, Autosomal Recessive and X-Linked Classification Criteria (2023). Collection method: clinical testing. Allele origin: unknown.
Comment: NM_206933.2(USH2A):c.12987T>A(Y4329*) is expected to be pathogenic in the context of USH2A-related disorders. This variant is predicted to lead to an abnormal or absent protein product due to the creation of a premature termination codon in USH2A, a gene where loss-of-function variants are known to be pathogenic. Please note: this variant was assessed in the context of healthy population screening.

Baylor Genetics
Classification: Likely pathogenic for Retinitis pigmentosa 39. Last evaluated: 2023-09-25. Review status: criteria provided, single submitter. Criteria: ACMG Guidelines, 2015. Collection method: clinical testing. Allele origin: unknown.